The following is an entry in ClinVar:

NM_022089.4(ATP13A2):c.2147T>G (p.Leu716Arg)

Gene: ATP13A2 (ATPase cation transporting 13A2; minus strand). Cytogenetic location: 1p36.13.
Variant type: single nucleotide variant.
Coding change: c.2147T>G on transcript NM_022089.4 (MANE Select); coding-DNA position 2147, T replaced by G.
Protein change: p.Leu716Arg; replaces leucine 716 with arginine.
Molecular consequence: missense variant.
Genome position (GRCh38, 1-based): chr1:16,991,838, A>C on the plus strand (T>G on the coding strand, the complement: ATP13A2 is on the minus strand). VCF-style: chr1-16991838-A-C. GRCh37 (hg19) VCF-style: chr1-17318333-A-C.
Other names: c.2132T>G, p.Leu711Arg (NM_001141973.3, NM_001141974.3); short protein forms L716R, L711R.
Identifiers: ClinVar variation 2013714 (VCV002013714.4), dbSNP rs764792843, ClinGen allele CA338243800.

ClinVar aggregate classification (germline): Uncertain significance (1 of 4 stars; one submission).

Conditions:
Kufor-Rakeb syndrome (KRS). Also called: PARKINSON DISEASE 9, AUTOSOMAL RECESSIVE, JUVENILE-ONSET. Identifiers: Orphanet 306674, Orphanet 314632, MedGen C1847640, MONDO:0011706, OMIM 606693.
Autosomal recessive spastic paraplegia type 78. Identifiers: Orphanet 513436, MedGen C5567893, MONDO:0014975, OMIM 617225.

Submission:

Labcorp Genetics (formerly Invitae), Labcorp
Classification: Uncertain significance for Kufor-Rakeb syndrome; Autosomal recessive spastic paraplegia type 78. Last evaluated: 2024-10-15. Review status: criteria provided, single submitter. Criteria: Invitae Variant Classification Sherloc (09022015). Collection method: clinical testing. Allele origin: germline.
Comment: This sequence change replaces leucine, which is neutral and non-polar, with arginine, which is basic and polar, at codon 716 of the ATP13A2 protein (p.Leu716Arg). This variant is not present in population databases (gnomAD no frequency). This variant has not been reported in the literature in individuals affected with ATP13A2-related conditions. ClinVar contains an entry for this variant (Variation ID: 2013714). Invitae Evidence Modeling of protein sequence and biophysical properties (such as structural, functional, and spatial information, amino acid conservation, physicochemical variation, residue mobility, and thermodynamic stability) has been performed for this missense variant. However, the output from this modeling did not meet the statistical confidence thresholds required to predict the impact of this variant on ATP13A2 protein function. In summary, the available evidence is currently insufficient to determine the role of this variant in disease. Therefore, it has been classified as a Variant of Uncertain Significance.